The following is an entry in ClinVar:

NM_003978.5(PSTPIP1):c.757C>T (p.Arg253Trp)

Gene: PSTPIP1 (proline-serine-threonine phosphatase interacting protein 1; plus strand). Cytogenetic location: 15q24.3.
Variant type: single nucleotide variant.
Coding change: c.757C>T on transcript NM_003978.5 (MANE Select); coding-DNA position 757, C replaced by T.
Protein change: p.Arg253Trp; replaces arginine 253 with tryptophan.
Molecular consequence: missense variant.
Genome position (GRCh38, 1-based): chr15:77,032,313, C>T. VCF-style: chr15-77032313-C-T. GRCh37 (hg19) VCF-style: chr15-77324654-C-T.
Other names: c.757C>T, p.Arg253Trp (NM_001321135.2); c.730C>T, p.Arg244Trp (NM_001321136.2); c.952C>T, p.Arg318Trp (NM_001321137.1); short protein forms R318W, R253W, R244W.
Identifiers: ClinVar variation 970285 (VCV000970285.11), dbSNP rs375155007, ClinGen allele CA7675974.

ClinVar aggregate classification (germline): Uncertain significance. Review status: criteria provided, multiple submitters, no conflicts (2 of 4 stars). 3 submissions from 3 submitters: Uncertain significance (3). Last evaluated 2025-06-05.

Conditions:
Pyogenic arthritis-pyoderma gangrenosum-acne syndrome (PAPA). Also called: FAMILIAL RECURRENT ARTHRITIS; PAPA SYNDROME. Identifiers: Orphanet 69126, MedGen C1858361, MONDO:0011462, OMIM 604416.

Allele frequency attached by ClinVar (database versions not stated): ExAC 0.00001; ESP Exome Variant Server 0.00008.

Submissions (3):

Women's Health and Genetics/Laboratory Corporation of America, LabCorp
Classification: Uncertain significance. Last evaluated: 2025-06-05. Review status: criteria provided, single submitter. Criteria: LabCorp Variant Classification Summary - May 2015. Collection method: clinical testing. Allele origin: germline.
Comment: Variant summary: PSTPIP1 c.757C>T (p.Arg253Trp) results in a non-conservative amino acid change in the encoded protein sequence. Algorithms developed to predict the effect of missense changes on protein structure and function are either unavailable or do not agree on the potential impact of this missense change. The variant allele was found at a frequency of 1.2e-05 in 246966 control chromosomes. The available data on variant occurrences in the general population are insufficient to allow any conclusion about variant significance. To our knowledge, no occurrence of c.757C>T in individuals affected with Pyogenic arthritis-pyoderma gangrenosum-acne syndrome and no experimental evidence demonstrating its impact on protein function have been reported. ClinVar contains an entry for this variant (Variation ID: 970285). Based on the evidence outlined above, the variant was classified as uncertain significance.

Labcorp Genetics (formerly Invitae), Labcorp
Classification: Uncertain significance for Pyogenic arthritis-pyoderma gangrenosum-acne syndrome. Last evaluated: 2025-03-31. Review status: criteria provided, single submitter. Criteria: Invitae Variant Classification Sherloc (09022015). Collection method: clinical testing. Allele origin: germline.
Comment: This sequence change replaces arginine, which is basic and polar, with tryptophan, which is neutral and slightly polar, at codon 253 of the PSTPIP1 protein (p.Arg253Trp). This variant is present in population databases (rs375155007, gnomAD 0.003%). This variant has not been reported in the literature in individuals affected with PSTPIP1-related conditions. ClinVar contains an entry for this variant (Variation ID: 970285). Invitae Evidence Modeling of protein sequence and biophysical properties (such as structural, functional, and spatial information, amino acid conservation, physicochemical variation, residue mobility, and thermodynamic stability) indicates that this missense variant is expected to disrupt PSTPIP1 protein function with a positive predictive value of 80%. In summary, the available evidence is currently insufficient to determine the role of this variant in disease. Therefore, it has been classified as a Variant of Uncertain Significance.

Baylor Genetics
Classification: Uncertain significance for Pyogenic arthritis-pyoderma gangrenosum-acne syndrome. Last evaluated: 2023-03-20. Review status: criteria provided, single submitter. Criteria: ACMG Guidelines, 2015. Collection method: clinical testing. Allele origin: unknown.